The following is an entry in ClinVar:

NM_013382.7(POMT2):c.1822T>C (p.Tyr608His)

Gene: POMT2 (protein O-mannosyltransferase 2; minus strand). Cytogenetic location: 14q24.3.
Variant type: single nucleotide variant.
Coding change: c.1822T>C on transcript NM_013382.7 (MANE Select); coding-DNA position 1822, T replaced by C.
Protein change: p.Tyr608His; replaces tyrosine 608 with histidine.
Molecular consequence: missense variant.
Genome position (GRCh38, 1-based): chr14:77,279,892, A>G on the plus strand (T>C on the coding strand, the complement: POMT2 is on the minus strand). VCF-style: chr14-77279892-A-G. GRCh37 (hg19) VCF-style: chr14-77746235-A-G.
Other names: short protein forms Y608H.
Identifiers: ClinVar variation 1713802 (VCV001713802.6), dbSNP rs1370847061, ClinGen allele CA390514623.

ClinVar aggregate classification (germline): Uncertain significance (1 of 4 stars; one submission).

Conditions:
Muscular dystrophy-dystroglycanopathy (congenital with impaired intellectual development), type B, 2. Also called: Muscular dystrophy-dystroglycanopathy (congenital with intellectual disability), type B2; MUSCULAR DYSTROPHY, CONGENITAL, POMT2-RELATED. Identifiers: MedGen C3150416, MONDO:0013160, OMIM 613156.
Autosomal recessive limb-girdle muscular dystrophy type 2N. Also called: Muscular dystrophy-dystroglycanopathy (limb-girdle), type C, 2; MUSCULAR DYSTROPHY-DYSTROGLYCANOPATHY, LIMB-GIRDLE, POMT2-RELATED. Identifiers: Orphanet 206559, MedGen C3150418, MONDO:0013162, OMIM 613158.
Muscular dystrophy-dystroglycanopathy (congenital with brain and eye anomalies), type A2. Also called: MUSCULAR DYSTROPHY-DYSTROGLYCANOPATHY (CONGENITAL WITH BRAIN AND EYE ANOMALIES), TYPE A, 2; WALKER-WARBURG SYNDROME OR MUSCLE-EYE-BRAIN DISEASE, POMT2-RELATED. Identifiers: Orphanet 588, Orphanet 899, MedGen C3150411, MONDO:0013154, OMIM 613150.

Allele frequency attached by ClinVar (database versions not stated): gnomAD exomes 0.00001.
gnomAD v4.1: 3 of 1,614,128 alleles (0.00019%); highest among the groups gnomAD compares: South Asian, 0.0022%; no homozygotes.

Submission:

Labcorp Genetics (formerly Invitae), Labcorp
Classification: Uncertain significance for Muscular dystrophy-dystroglycanopathy (congenital with impaired intellectual development), type B, 2; Muscular dystrophy-dystroglycanopathy (congenital with brain and eye anomalies), type A2; Autosomal recessive limb-girdle muscular dystrophy type 2N. Last evaluated: 2022-07-26. Review status: criteria provided, single submitter. Criteria: Invitae Variant Classification Sherloc (09022015). Collection method: clinical testing. Allele origin: germline.
Comment: This variant has not been reported in the literature in individuals affected with POMT2-related conditions. In summary, the available evidence is currently insufficient to determine the role of this variant in disease. Therefore, it has been classified as a Variant of Uncertain Significance. Algorithms developed to predict the effect of missense changes on protein structure and function (SIFT, PolyPhen-2, Align-GVGD) all suggest that this variant is likely to be disruptive. This variant is present in population databases (no rsID available, gnomAD 0.003%). This sequence change replaces tyrosine, which is neutral and polar, with histidine, which is basic and polar, at codon 608 of the POMT2 protein (p.Tyr608His).